The following is an entry in ClinVar:

ClinVar aggregate classification (germline): Benign (1 of 4 stars; one submission).

Allele frequency attached by ClinVar (database versions not stated): 1000 Genomes Project 30x 0.68676; 1000 Genomes Project 0.68850; TOPMed 0.73041; gnomAD 0.74815 and 0.74953.
gnomAD v4.1: 114,006 of 151,850 alleles (75%); highest among the groups gnomAD compares: Non-Finnish European, 84%; 43,971 homozygotes.

Submission:

GeneDx
Classification: Benign. Last evaluated: 2018-06-19. Review status: criteria provided, single submitter. Criteria: GeneDx Variant Classification (06012015). Collection method: clinical testing. Allele origin: germline. Affected: yes.
Comment: This variant is considered likely benign or benign based on one or more of the following criteria: it is a conservative change, it occurs at a poorly conserved position in the protein, it is predicted to be benign by multiple in silico algorithms, and/or has population frequency not consistent with disease.

NM_006059.4(LAMC3):c.2593+307G>A

Gene: LAMC3 (laminin subunit gamma 3; plus strand). Cytogenetic location: 9q34.12.
Variant type: single nucleotide variant.
Coding change: c.2593+307G>A on transcript NM_006059.4 (MANE Select); 307 bases into the intron after coding-DNA position 2593, G replaced by A.
Molecular consequence: intron variant.
Genome position (GRCh38, 1-based): chr9:131,067,512, G>A. VCF-style: chr9-131067512-G-A. GRCh37 (hg19) VCF-style: chr9-133942899-G-A.
Identifiers: ClinVar variation 684039 (VCV000684039.1), dbSNP rs12551971, ClinGen allele CA13021006.